The following is an entry in ClinVar:

NM_004260.4(RECQL4):c.899G>T (p.Gly300Val)

Gene: RECQL4 (RecQ like helicase 4; minus strand). Cytogenetic location: 8q24.3.
Variant type: single nucleotide variant.
Coding change: c.899G>T on transcript NM_004260.4 (MANE Select); coding-DNA position 899, G replaced by T.
Protein change: p.Gly300Val; replaces glycine 300 with valine.
Molecular consequence: missense variant.
Genome position (GRCh38, 1-based): chr8:144,516,220, C>A on the plus strand (G>T on the coding strand, the complement: RECQL4 is on the minus strand). VCF-style: chr8-144516220-C-A. GRCh37 (hg19) VCF-style: chr8-145741604-C-A.
Other names: c.899G>T, p.Gly300Val (NM_001413017.1, NM_001413018.1, NM_001413019.1 and 4 more transcripts); c.-173G>T (NM_001413021.1, NM_001413022.1, NM_001413023.1 and 7 more transcripts); c.770G>T, p.Gly257Val (NM_001413025.1); c.-235G>T (NM_001413027.1, NM_001413030.1, NM_001413031.1 and 2 more transcripts); c.548G>T, p.Gly183Val (NM_001413029.1); c.-77G>T (NM_001413034.1); c.-442G>T (NM_001413043.1); c.899G>T (NM_004260.3); short protein forms G257V, G183V, G300V.
Identifiers: ClinVar variation 2165346 (VCV002165346.3), dbSNP rs369842607, ClinGen allele CA372688724.

ClinVar aggregate classification (germline): Uncertain significance. Review status: criteria provided, multiple submitters, no conflicts (2 of 4 stars). 2 submissions from 2 submitters: Uncertain significance (2). Last evaluated 2025-01-19.

Conditions:
Baller-Gerold syndrome (BGS). Also called: CRANIOSYNOSTOSIS WITH RADIAL DEFECTS. Identifiers: Orphanet 1225, MedGen C0265308, MONDO:0009039, OMIM 218600.
Inborn genetic diseases. Identifiers: MedGen C0950123, MeSH D030342.

Submissions (2):

Ambry Genetics
Classification: Uncertain significance for Inborn genetic diseases. Last evaluated: 2025-01-19. Review status: criteria provided, single submitter. Criteria: Ambry Variant Classification Scheme 2023. Collection method: clinical testing. Allele origin: germline.
Comment: The p.G300V variant (also known as c.899G>T), located in coding exon 5 of the RECQL4 gene, results from a G to T substitution at nucleotide position 899. The glycine at codon 300 is replaced by valine, an amino acid with dissimilar properties. This amino acid position is conserved. In addition, this alteration is predicted to be tolerated by in silico analysis. Based on the available evidence, the clinical significance of this variant remains unclear.

Labcorp Genetics (formerly Invitae), Labcorp
Classification: Uncertain significance for Baller-Gerold syndrome. Last evaluated: 2023-04-25. Review status: criteria provided, single submitter. Criteria: Invitae Variant Classification Sherloc (09022015). Collection method: clinical testing. Allele origin: germline.
Comment: This variant is not present in population databases (gnomAD no frequency). This sequence change replaces glycine, which is neutral and non-polar, with valine, which is neutral and non-polar, at codon 300 of the RECQL4 protein (p.Gly300Val). This variant has not been reported in the literature in individuals affected with RECQL4-related conditions. In summary, the available evidence is currently insufficient to determine the role of this variant in disease. Therefore, it has been classified as a Variant of Uncertain Significance. Advanced modeling of protein sequence and biophysical properties (such as structural, functional, and spatial information, amino acid conservation, physicochemical variation, residue mobility, and thermodynamic stability) performed at Invitae indicates that this missense variant is not expected to disrupt RECQL4 protein function. ClinVar contains an entry for this variant (Variation ID: 2165346).